The following is an entry in ClinVar:

ClinVar aggregate classification (germline): Uncertain significance (1 of 4 stars; one submission).

Conditions:
Alstrom syndrome (ALMS). Identifiers: Orphanet 64, MedGen C0268425, MONDO:0008763, OMIM 203800.

Allele frequency attached by ClinVar (database versions not stated): gnomAD exomes below 0.00001; ExAC 0.00001.
gnomAD v4.1: 7 of 1,614,126 alleles (0.00043%); highest among the groups gnomAD compares: South Asian, 0.0011%; no homozygotes.

Submission:

Labcorp Genetics (formerly Invitae), Labcorp
Classification: Uncertain significance for Alstrom syndrome. Last evaluated: 2021-10-25. Review status: criteria provided, single submitter. Criteria: Invitae Variant Classification Sherloc (09022015). Collection method: clinical testing. Allele origin: germline.
Comment: This sequence change replaces isoleucine, which is neutral and non-polar, with methionine, which is neutral and non-polar, at codon 2023 of the ALMS1 protein (p.Ile2023Met). This variant is not present in population databases (gnomAD no frequency). This variant has not been reported in the literature in individuals affected with ALMS1-related conditions. Experimental studies and prediction algorithms are not available or were not evaluated, and the functional significance of this variant is currently unknown. In summary, the available evidence is currently insufficient to determine the role of this variant in disease. Therefore, it has been classified as a Variant of Uncertain Significance.

NM_001378454.1(ALMS1):c.6066A>G (p.Ile2022Met)

Gene: ALMS1 (ALMS1 centrosome and basal body associated protein; plus strand). Cytogenetic location: 2p13.1.
Variant type: single nucleotide variant.
Coding change: c.6066A>G on transcript NM_001378454.1 (MANE Select); coding-DNA position 6066, A replaced by G.
Protein change: p.Ile2022Met; replaces isoleucine 2022 with methionine.
Molecular consequence: missense variant.
Genome position (GRCh38, 1-based): chr2:73,452,593, A>G. VCF-style: chr2-73452593-A-G. GRCh37 (hg19) VCF-style: chr2-73679720-A-G.
Other names: c.6069A>G, p.Ile2023Met (NM_015120.4); short protein forms I2022M, I2023M.
Identifiers: ClinVar variation 1407077 (VCV001407077.3), dbSNP rs780333829, ClinGen allele CA1713993.